The following is an entry in ClinVar:

ClinVar aggregate classification (germline): Pathogenic. Review status: criteria provided, multiple submitters, no conflicts (2 of 4 stars). 2 submissions from 2 submitters: Pathogenic (2). Last evaluated 2024-12-05.

Conditions:
Charcot-Marie-Tooth disease type 4C (CMT4C). Also called: Charcot-Marie-Tooth Neuropathy Type 4C (CMT4C); SH3TC2-Related Hereditary Motor and Sensory Neuropathy; CHARCOT-MARIE-TOOTH DISEASE, DEMYELINATING, TYPE 4C; CMT 4C; CHARCOT-MARIE-TOOTH DISEASE, DEMYELINATING, AUTOSOMAL RECESSIVE, TYPE 4C. Identifiers: Orphanet 99949, MedGen C1866636, MONDO:0011113, OMIM 601596.
Charcot-Marie-Tooth disease type 4. Also called: Charcot-Marie-Tooth disease, type IV; Charcot-Marie-Tooth, Type 4. Identifiers: Orphanet 64749, MedGen C4082197, MONDO:0018995.

Allele frequency attached by ClinVar (database versions not stated): gnomAD exomes below 0.00001; TOPMed below 0.00001; gnomAD 0.00001.
gnomAD v4.1: 2 of 1,614,042 alleles (0.00012%); highest among the groups gnomAD compares: Non-Finnish European, 0.00017%; no homozygotes.

Submissions (2):

Labcorp Genetics (formerly Invitae), Labcorp
Classification: Pathogenic for Charcot-Marie-Tooth disease type 4. Last evaluated: 2024-12-05. Review status: criteria provided, single submitter. Criteria: Invitae Variant Classification Sherloc (09022015). Collection method: clinical testing. Allele origin: germline.
Comment: This sequence change creates a premature translational stop signal (p.Tyr1209*) in the SH3TC2 gene. It is expected to result in an absent or disrupted protein product. Loss-of-function variants in SH3TC2 are known to be pathogenic (PMID: 20220177, 27068304). This variant is present in population databases (no rsID available, gnomAD 0.0009%). This premature translational stop signal has been observed in individual(s) with neuropathy (PMID: 25614874). ClinVar contains an entry for this variant (Variation ID: 1444894). For these reasons, this variant has been classified as Pathogenic.

Women's Health and Genetics/Laboratory Corporation of America, LabCorp
Classification: Pathogenic for Charcot-Marie-Tooth disease type 4C. Last evaluated: 2023-09-14. Review status: criteria provided, single submitter. Criteria: LabCorp Variant Classification Summary - May 2015. Collection method: clinical testing. Allele origin: germline.
Comment: Variant summary: SH3TC2 c.3627T>A (p.Tyr1209X) results in a premature termination codon, predicted to cause a truncation of the encoded protein or absence of the protein due to nonsense mediated decay, which are commonly known mechanisms for disease. The variant allele was found at a frequency of 4e-06 in 251484 control chromosomes. c.3627T>A has been reported in the literature in at least one individual referred for clinical testing due to neuropathy (DiVincenzo_2014). To our knowledge, no experimental evidence demonstrating an impact on protein function has been reported. The following publication has been ascertained in the context of this evaluation (PMID: 25614874). One submitter has cited clinical-significance assessments for this variant to ClinVar after 2014 and has classified the variant as pathogenic. Based on the evidence outlined above, the variant was classified as pathogenic.

Literature cited by the submitters: PubMed 20220177 (cited by Labcorp Genetics (formerly Invitae), Labcorp); PubMed 27068304 (cited by Labcorp Genetics (formerly Invitae), Labcorp); PubMed 25614874 (cited by Labcorp Genetics (formerly Invitae), Labcorp and Women's Health and Genetics/Laboratory Corporation of America, LabCorp).

NM_024577.4(SH3TC2):c.3627T>A (p.Tyr1209Ter)

Gene: SH3TC2 (SH3 domain and tetratricopeptide repeats 2; minus strand). Cytogenetic location: 5q32.
Variant type: single nucleotide variant.
Coding change: c.3627T>A on transcript NM_024577.4 (MANE Select); coding-DNA position 3627, T replaced by A.
Protein change: p.Tyr1209Ter; replaces tyrosine 1209 with a stop codon.
Molecular consequence: nonsense.
Genome position (GRCh38, 1-based): chr5:149,006,929, A>T on the plus strand (T>A on the coding strand, the complement: SH3TC2 is on the minus strand). VCF-style: chr5-149006929-A-T. GRCh37 (hg19) VCF-style: chr5-148386492-A-T.
Other names: c.3627T>A (NM_024577.3); short protein forms Y1209*.
Identifiers: ClinVar variation 1444894 (VCV001444894.8), dbSNP rs1248359114, ClinGen allele CA361663980.